The following is an entry in ClinVar:

ClinVar aggregate classification (germline): Uncertain significance (1 of 4 stars; one submission).

Conditions:
Catecholaminergic polymorphic ventricular tachycardia 1. Also called: RYR2-Related Catecholaminergic Polymorphic Ventricular Tachycardia; VENTRICULAR TACHYCARDIA, CATECHOLAMINERGIC POLYMORPHIC, 1, WITH OR WITHOUT ATRIAL DYSFUNCTION AND/OR DILATED CARDIOMYOPATHY; VENTRICULAR TACHYCARDIA, STRESS-INDUCED POLYMORPHIC 1. Identifiers: Orphanet 3286, MedGen C1631597, MONDO:0011484, OMIM 604772.

Submission:

Labcorp Genetics (formerly Invitae), Labcorp
Classification: Uncertain significance for Catecholaminergic polymorphic ventricular tachycardia 1. Last evaluated: 2023-09-08. Review status: criteria provided, single submitter. Criteria: Invitae Variant Classification Sherloc (09022015). Collection method: clinical testing. Allele origin: unknown.
Comment: In summary, the available evidence is currently insufficient to determine the role of this variant in disease. Therefore, it has been classified as a Variant of Uncertain Significance. This variant has not been reported in the literature in individuals affected with RYR2-related conditions. This variant results in a copy number gain of the genomic region encompassing exon(s) 20-42 of the RYR2 gene. While the exact position of this variant cannot be determined from the data, sub-genic copy number gains are generally in tandem (PMID: 25640679). This variant is predicted to be out-of-frame, and may result in an absent or disrupted protein product. However, the current clinical and genetic evidence is not sufficient to establish whether loss-of-function variants in RYR2 cause disease.

Literature cited by the submitters: PubMed 25640679.

NC_000001.10:g.(?_237659791)_(237794861_?)dup

Gene: RYR2 (ryanodine receptor 2; plus strand). Cytogenetic location: 1q43.
Variant type: Duplication.
Identifiers: ClinVar variation 3247735 (VCV003247735.1).